The following is an entry in ClinVar:

NM_000059.4(BRCA2):c.6033_6034del (p.Ser2012fs)

Gene: BRCA2 (BRCA2 DNA repair associated; plus strand). Cytogenetic location: 13q13.1.
Variant type: Deletion.
Coding change: c.6033_6034del on transcript NM_000059.4 (MANE Select); coding-DNA positions 6033 to 6034, 2 bases deleted (TT; older notation c.6033_6034delTT).
Protein change: p.Ser2012fs; shifts the reading frame from serine 2012.
Molecular consequence: frameshift variant.
Genome position (GRCh38, 1-based): chr13:32,340,388-32,340,389, TT deleted; deleting any 2 consecutive bases within chr13:32,340,386-32,340,389 gives the same sequence; the c. name uses the placement nearest the transcript's 3' end. VCF-style (leftmost placement, unchanged base first): chr13-32340385-CTT-C. GRCh37 (hg19) VCF-style: chr13-32914522-CTT-C.
Other names: c.6033_6034delTT (NM_000059.3).
Identifiers: ClinVar variation 51993 (VCV000051993.18), dbSNP rs397507823, ClinGen allele CA023552.

ClinVar aggregate classification (germline): Pathogenic. Review status: reviewed by expert panel (3 of 4 stars). 5 submissions from 5 submitters: Pathogenic (1). 4 of the submissions do not count toward it. Last evaluated 2016-09-08.

Conditions:
Hereditary cancer-predisposing syndrome. Also called: Neoplastic Syndromes, Hereditary; Tumor predisposition; Hereditary neoplastic syndrome; Hereditary Cancer Syndrome. Identifiers: Orphanet 140162, MedGen C0027672, MeSH D009386, MONDO:0015356.
Hereditary breast ovarian cancer syndrome. Also called: Hereditary breast and ovarian cancer syndrome; Hereditary breast and ovarian cancer; Hereditary breast and ovarian cancer syndrome (HBOC); Breast and ovarian cancer; Hereditary breast and/or ovarian cancer syndrome; BRCA1- and BRCA2-Associated Hereditary Breast and Ovarian Cancer. Identifiers: Orphanet 145, MedGen C0677776, MeSH D061325, MONDO:0003582. Disease mechanism: loss of function.
Breast-ovarian cancer, familial, susceptibility to, 2 (BROVCA2). Also called: BRCA2 Hereditary Breast and Ovarian Cancer. Identifiers: Orphanet 145, MedGen C2675520, MONDO:0012933, OMIM 612555. Disease mechanism: loss of function.

Submissions (5):

Evidence-based Network for the Interpretation of Germline Mutant Alleles (ENIGMA)
Classification: Pathogenic for Breast-ovarian cancer, familial, susceptibility to, 2. Last evaluated: 2016-09-08. Review status: reviewed by expert panel. Criteria: ENIGMA BRCA1/2 Classification Criteria (2015). Collection method: curation. Allele origin: germline.
Comment: Variant allele predicted to encode a truncated non-functional protein.

Labcorp Genetics (formerly Invitae), Labcorp
Classification: Pathogenic for Hereditary breast ovarian cancer syndrome. Last evaluated: 2024-12-18. Review status: criteria provided, single submitter. Criteria: Invitae Variant Classification Sherloc (09022015). Collection method: clinical testing. Allele origin: germline. Not counted in ClinVar's aggregate classification.
Comment: This sequence change creates a premature translational stop signal (p.Ser2012Glnfs*5) in the BRCA2 gene. It is expected to result in an absent or disrupted protein product. Loss-of-function variants in BRCA2 are known to be pathogenic (PMID: 20104584). This variant is present in population databases (rs765284298, gnomAD 0.0009%). This premature translational stop signal has been observed in individual(s) with hereditary breast and ovarian cancer (PMID: 17851763, 20877358). ClinVar contains an entry for this variant (Variation ID: 51993). For these reasons, this variant has been classified as Pathogenic.

Human Genome Sequencing Center Clinical Lab, Baylor College of Medicine
Classification: Pathogenic for Breast-ovarian cancer, familial, susceptibility to, 2. Last evaluated: 2018-04-27. Review status: criteria provided, single submitter. Criteria: ACMG Guidelines, 2015. Collection method: clinical testing. Allele origin: germline. Not counted in ClinVar's aggregate classification.
Comment: The BRCA2 c.6033_6034delTT (p.Ser2012Glnfs*5) frameshift variant in exon 11 is predicted to cause loss of function of normal protein through mRNA decay or producing a truncated protein, which is a known disease mechanism for this gene. This particular variant has been reported in a hereditary breast cancer patient (published as 6261delTT, PMID 17851763) and is extremely rare in the general population. Therefore, the c.6033_6034delTT(p.Ser2012Glnfs*5) variant in the BRCA2 gene is classified as pathogenic.

Ambry Genetics
Classification: Pathogenic for Hereditary cancer-predisposing syndrome. Last evaluated: 2016-12-14. Review status: criteria provided, single submitter. Criteria: Ambry Variant Classification Scheme 2023. Collection method: clinical testing. Allele origin: germline. Not counted in ClinVar's aggregate classification.
Comment: The c.6033_6034delTT pathogenic mutation, located in coding exon 10 of the BRCA2 gene, results from a deletion of two nucleotides at nucleotide positions 6033 to 6034, causing a translational frameshift with a predicted alternate stop codon (p.F2011Ffs*6). In addition to the clinical data presented in the literature, this alteration is expected to result in loss of function by premature protein truncation or nonsense-mediated mRNA decay. As such, this alteration is interpreted as a disease-causing mutation.

Consortium of Investigators of Modifiers of BRCA1/2 (CIMBA), c/o University of Cambridge
Classification: Pathogenic for Breast-ovarian cancer, familial, susceptibility to, 2. Last evaluated: 2015-10-02. Review status: criteria provided, single submitter. Criteria: CIMBA Mutation Classification guidelines May 2016. Collection method: clinical testing. Allele origin: germline. Not counted in ClinVar's aggregate classification.

Literature cited by the submitters: PubMed 20104584 (cited by Labcorp Genetics (formerly Invitae), Labcorp); PubMed 17851763 (cited by Labcorp Genetics (formerly Invitae), Labcorp and Ambry Genetics); PubMed 20877358 (cited by Labcorp Genetics (formerly Invitae), Labcorp and Ambry Genetics).